The following is an entry in ClinVar:

ClinVar aggregate classification (germline): Uncertain significance (1 of 4 stars; one submission).

Conditions:
Dystonic disorder. Also called: Dystonia. Identifiers: MedGen C0013421, MONDO:0003441, HP:0001332.

Allele frequency attached by ClinVar (database versions not stated): ExAC 0.00001.

Submission:

Labcorp Genetics (formerly Invitae), Labcorp
Classification: Uncertain significance for Dystonic disorder. Last evaluated: 2022-05-29. Review status: criteria provided, single submitter. Criteria: Invitae Variant Classification Sherloc (09022015). Collection method: clinical testing. Allele origin: germline.
Comment: This sequence change creates a premature translational stop signal (p.Trp719*) in the ANO3 gene. It is expected to result in an absent or disrupted protein product. However, the current clinical and genetic evidence is not sufficient to establish whether loss-of-function variants in ANO3 cause disease. This variant is not present in population databases (gnomAD no frequency). This variant has not been reported in the literature in individuals affected with ANO3-related conditions. In summary, the available evidence is currently insufficient to determine the role of this variant in disease. Therefore, it has been classified as a Variant of Uncertain Significance.

NM_031418.4(ANO3):c.2157G>A (p.Trp719Ter)

Gene: ANO3 (anoctamin 3; plus strand). Cytogenetic location: 11p14.2.
Variant type: single nucleotide variant.
Coding change: c.2157G>A on transcript NM_031418.4 (MANE Select); coding-DNA position 2157, G replaced by A.
Protein change: p.Trp719Ter; replaces tryptophan 719 with a stop codon.
Molecular consequence: nonsense.
Genome position (GRCh38, 1-based): chr11:26,641,911, G>A. VCF-style: chr11-26641911-G-A. GRCh37 (hg19) VCF-style: chr11-26663458-G-A.
Other names: c.2340G>A, p.Trp780Ter (NM_001313726.2); c.1719G>A, p.Trp573Ter (NM_001313727.2); short protein forms W573*, W719*, W780*.
Identifiers: ClinVar variation 2414749 (VCV002414749.6), dbSNP rs755169839, ClinGen allele CA5926437.